The following is an entry in ClinVar:

NM_001110556.2(FLNA):c.2911C>T (p.Leu971Phe)

Gene: FLNA (filamin A; minus strand). Cytogenetic location: Xq28.
Variant type: single nucleotide variant.
Coding change: c.2911C>T on transcript NM_001110556.2 (MANE Select); coding-DNA position 2911, C replaced by T.
Protein change: p.Leu971Phe; replaces leucine 971 with phenylalanine.
Molecular consequence: missense variant.
Genome position (GRCh38, 1-based): chrX:154,361,703, G>A on the plus strand (C>T on the coding strand, the complement: FLNA is on the minus strand). VCF-style: chrX-154361703-G-A. GRCh37 (hg19) VCF-style: chrX-153590071-G-A.
Other names: c.2911C>T, p.Leu971Phe (NM_001456.4); short protein forms L971F.
Identifiers: ClinVar variation 3375698 (VCV003375698.1).
Genomic context (GRCh38, chrX:154,361,703, plus strand): 5'-TTTGCGACAAGGGCCCCAACTACTTACTCTCTCCCAGGCCAGACACCTTGATCTTGCTGA[G>A]GTCCAGGCTTGGAGATACTGCCACTGAGAAAGGGCTCTTAGGGATGGGATCCCCTCCATA-3'
Protein context (NP_001104026.1, residues 961-981): FSVAVSPSLD[Leu971Phe]SKIKVSGLGE

ClinVar aggregate classification (germline): Uncertain significance (1 of 4 stars; one submission).

Submission:

GeneDx
Classification: Uncertain significance. Last evaluated: 2024-05-10. Review status: criteria provided, single submitter. Criteria: GeneDx Variant Classification Process June 2021. Collection method: clinical testing. Allele origin: germline. Affected: yes.
Comment: Not observed at significant frequency in large population cohorts (gnomAD); In silico analysis supports that this missense variant has a deleterious effect on protein structure/function; Has not been previously published as pathogenic or benign to our knowledge